The following is an entry in ClinVar:

NC_000011.9:g.(?_111959651)_(111960112_?)del

Gene: SDHD (succinate dehydrogenase complex subunit D; plus strand). Cytogenetic location: 11q23.1.
Variant type: Deletion.
Identifiers: ClinVar variation 3244619 (VCV003244619.1).

ClinVar aggregate classification (germline): Likely pathogenic (1 of 4 stars; one submission).

Conditions:
Pheochromocytoma. Also called: MAX-Related Hereditary Paraganglioma-Pheochromocytoma Syndrome. Identifiers: Orphanet 29072, MedGen C0031511, MONDO:0008233, OMIM 171300, HP:0002666.
Paragangliomas with sensorineural hearing loss. Identifiers: MedGen C1868633.
Cowden syndrome 3 (CWS3). Identifiers: Orphanet 201, MedGen CN166604, MONDO:0014045.
Carney-Stratakis syndrome. Also called: PARAGANGLIOMA AND GASTROINTESTINAL STROMAL TUMOR. Identifiers: Orphanet 97286, MedGen C1847319, MONDO:0011740, OMIM 606864.

Submission:

Labcorp Genetics (formerly Invitae), Labcorp
Classification: Likely pathogenic for Carney-Stratakis syndrome; Paragangliomas with sensorineural hearing loss; Pheochromocytoma; Cowden syndrome 3. Last evaluated: 2020-06-19. Review status: criteria provided, single submitter. Criteria: Invitae Variant Classification Sherloc (09022015). Collection method: clinical testing. Allele origin: unknown.
Comment: This variant results in the deletion of part of exon 3 (c.230_314+377delinsGGTTCCCATTTGT) of the SDHD gene. While this is not anticipated to result in nonsense mediated decay, it likely alters RNA splicing and results in a disrupted protein product. This variant has been observed in individual(s) with clinical features of paraganglioma-pheochromocytoma syndromes (Invitae). This variant disrupts the c.314+1G nucleotide in the SDHD gene. Other variant(s) that disrupt this nucleotide have been determined to be pathogenic (PMID: 16317055, 19454582, 18551016, 19351833). This suggests that this nucleotide is clinically-significant, and that variants that disrupt this position are likely to be disease-causing. In summary, the currently available evidence indicates that the variant is pathogenic, but additional data are needed to prove that conclusively. Therefore, this variant has been classified as Likely Pathogenic.

Literature cited by the submitters: PubMed 16317055; PubMed 19454582; PubMed 18551016; PubMed 19351833.